The following is an entry in ClinVar:

NM_001367561.1(DOCK7):c.2482C>T (p.Leu828Phe)

Gene: DOCK7 (dedicator of cytokinesis 7; minus strand). Cytogenetic location: 1p31.3.
Variant type: single nucleotide variant.
Coding change: c.2482C>T on transcript NM_001367561.1 (MANE Select); coding-DNA position 2482, C replaced by T.
Protein change: p.Leu828Phe; replaces leucine 828 with phenylalanine.
Molecular consequence: missense variant.
Genome position (GRCh38, 1-based): chr1:62,555,939, G>A on the plus strand (C>T on the coding strand, the complement: DOCK7 is on the minus strand). VCF-style: chr1-62555939-G-A. GRCh37 (hg19) VCF-style: chr1-63021610-G-A.
Other names: p.Leu828Phe; c.2482C>T, p.Leu828Phe (NM_001271999.2, NM_001272000.2, NM_001272001.2 and 2 more transcripts); short protein forms L828F.
Identifiers: ClinVar variation 4541192 (VCV004541192.1).

ClinVar aggregate classification (germline): Uncertain significance (1 of 4 stars; one submission).

gnomAD v4.1: 3 of 1,613,778 alleles (0.00019%); highest among the groups gnomAD compares: South Asian, 0.0022%; no homozygotes.

Submission:

Mayo Clinic Laboratories, Mayo Clinic
Classification: Uncertain significance. Last evaluated: 2025-06-12. Review status: criteria provided, single submitter. Criteria: ACMG Guidelines, 2015. Collection method: clinical testing. Allele origin: germline. Observed: 1 variant allele.
Comment: PM2_supporting